The following is an entry in ClinVar:

NM_144997.7(FLCN):c.327C>T (p.His109=)

Gene: FLCN (folliculin; minus strand). Cytogenetic location: 17p11.2.
Variant type: single nucleotide variant.
Coding change: c.327C>T on transcript NM_144997.7 (MANE Select); coding-DNA position 327, C replaced by T.
Protein change: p.His109=; no amino-acid change (histidine 109 retained).
Molecular consequence: synonymous variant.
Genome position (GRCh38, 1-based): chr17:17,226,245, G>A on the plus strand (C>T on the coding strand, the complement: FLCN is on the minus strand). VCF-style: chr17-17226245-G-A. GRCh37 (hg19) VCF-style: chr17-17129559-G-A.
Other names: c.327C>T, p.His109= (NM_001353229.2, NM_001353230.2, NM_001353231.2 and 1 more transcripts).
Identifiers: ClinVar variation 701931 (VCV000701931.10), dbSNP rs1597612898, ClinGen allele CA498167687.
Genomic context (GRCh38, chr17:17,226,245, plus strand): 5'-CAGGCTCCGGACACAGGCCTGGCGGACAATGCTGAAGAGCTGGGGGTGGCTGGGGTGCTG[G>A]TGGCTGACGTATTTAATGGAGGTCTCTTTATCATGGCTGATATATCCCGGGTGCCCTGCA-3'
Protein context (NP_659434.2, residues 99-119): DKETSIKYVS[His109=]QHPSHPQLFS

ClinVar aggregate classification (germline): Benign/Likely benign. Review status: criteria provided, multiple submitters, no conflicts (2 of 4 stars). 3 submissions from 3 submitters: Benign (1); Likely benign (2). Last evaluated 2025-05-13.

Conditions:
Birt-Hogg-Dube syndrome. Also called: Birt Hogg Dubé syndrome. Identifiers: Orphanet 122, MedGen C0346010, MONDO:0800444.
Hereditary cancer-predisposing syndrome. Also called: Tumor predisposition; Hereditary neoplastic syndrome; Hereditary Cancer Syndrome; Neoplastic Syndromes, Hereditary. Identifiers: Orphanet 140162, MedGen C0027672, MeSH D009386, MONDO:0015356.
Birt-Hogg-Dube syndrome 1 (BHD1). Also called: FIBROFOLLICULOMAS WITH TRICHODISCOMAS AND ACROCHORDONS. Identifiers: Orphanet 122, MedGen CN375946, MONDO:0800445, OMIM 135150.

Allele frequency attached by ClinVar (database versions not stated): gnomAD exomes below 0.00001.
gnomAD v4.1: 3 of 1,614,198 alleles (0.00019%); highest among the groups gnomAD compares: Non-Finnish European, 0.00025%; no homozygotes.

Submissions (3):

Labcorp Genetics (formerly Invitae), Labcorp
Classification: Likely benign for Birt-Hogg-Dube syndrome. Last evaluated: 2025-05-13. Review status: criteria provided, single submitter. Criteria: Invitae Variant Classification Sherloc (09022015). Collection method: clinical testing. Allele origin: germline.

Myriad Genetics, Inc.
Classification: Benign for Birt-Hogg-Dube syndrome 1. Last evaluated: 2024-10-22. Review status: criteria provided, single submitter. Criteria: Myriad Autosomal Dominant, Autosomal Recessive and X-Linked Classification Criteria (2023). Collection method: clinical testing. Allele origin: unknown.
Comment: This variant is considered benign. This variant is a silent/synonymous amino acid change and it is not expected to impact splicing.

Ambry Genetics
Classification: Likely benign for Hereditary cancer-predisposing syndrome. Last evaluated: 2021-09-07. Review status: criteria provided, single submitter. Criteria: Ambry Variant Classification Scheme 2023. Collection method: clinical testing. Allele origin: germline.